The following is an entry in ClinVar:

ClinVar aggregate classification (germline): Uncertain significance. Review status: criteria provided, multiple submitters, no conflicts (2 of 4 stars). 5 submissions from 4 submitters: Uncertain significance (5). Last evaluated 2025-11-11.

Conditions:
Familial thoracic aortic aneurysm and aortic dissection (TAAD). Also called: Thoracic aortic aneurysms and dissections. Identifiers: Orphanet 91387, MedGen C4707243, MONDO:0019625.
Aortic valve disease 1 (AOVD1). Identifiers: MedGen C3887892, MONDO:0024523, OMIM 109730.
Adams-Oliver syndrome 5 (AOS5). Identifiers: Orphanet 974, MedGen C4014970, MONDO:0014459, OMIM 616028.

Allele frequency attached by ClinVar (database versions not stated): gnomAD exomes 0.00001; gnomAD 0.00003 and 0.00004; TOPMed 0.00003.
gnomAD v4.1: 57 of 1,509,744 alleles (0.0038%); highest among the groups gnomAD compares: Non-Finnish European, 0.0046%; no homozygotes.

Submissions (5):

Labcorp Genetics (formerly Invitae), Labcorp
Classification: Uncertain significance for Adams-Oliver syndrome 5. Last evaluated: 2025-11-11. Review status: criteria provided, single submitter. Criteria: Invitae Variant Classification Sherloc (09022015). Collection method: clinical testing. Allele origin: germline.
Comment: This sequence change replaces glycine, which is neutral and non-polar, with serine, which is neutral and polar, at codon 1673 of the NOTCH1 protein (p.Gly1673Ser). The frequency data for this variant in the population databases is considered unreliable, as metrics indicate poor data quality at this position in the gnomAD database. This variant has not been reported in the literature in individuals affected with NOTCH1-related conditions. ClinVar contains an entry for this variant (Variation ID: 477937). An algorithm developed to predict the effect of missense changes on protein structure and function (PolyPhen-2) suggests that this variant is likely to be tolerated. In summary, the available evidence is currently insufficient to determine the role of this variant in disease. Therefore, it has been classified as a Variant of Uncertain Significance.

Ambry Genetics
Classification: Uncertain significance for Familial thoracic aortic aneurysm and aortic dissection. Last evaluated: 2024-06-17. Review status: criteria provided, single submitter. Criteria: Ambry Variant Classification Scheme 2023. Collection method: clinical testing. Allele origin: germline.

GeneDx
Classification: Uncertain significance. Last evaluated: 2024-04-30. Review status: criteria provided, single submitter. Criteria: GeneDx Variant Classification Process June 2021. Collection method: clinical testing. Allele origin: germline. Affected: yes.
Comment: Not observed at significant frequency in large population cohorts (gnomAD); In silico analysis supports that this missense variant has a deleterious effect on protein structure/function; Identified de novo in a patient with a developmental disorder who also harbored de novo variants in multiple other genes (PMID: 33057194); This variant is associated with the following publications: (PMID: 35982159, 33057194)

Genome-Nilou Lab
Classification: Uncertain significance for Adams-Oliver syndrome 5. Last evaluated: 2022-03-15. Review status: criteria provided, single submitter. Criteria: ACMG Guidelines, 2015. Collection method: clinical testing. Allele origin: germline. Affected: no.

Genome-Nilou Lab
Classification: Uncertain significance for Aortic valve disease 1. Last evaluated: 2022-03-15. Review status: criteria provided, single submitter. Criteria: ACMG Guidelines, 2015. Collection method: clinical testing. Allele origin: germline. Affected: no.

NM_017617.5(NOTCH1):c.5017G>A (p.Gly1673Ser)

Gene: NOTCH1 (notch receptor 1; minus strand). Cytogenetic location: 9q34.3.
Variant type: single nucleotide variant.
Coding change: c.5017G>A on transcript NM_017617.5 (MANE Select); coding-DNA position 5017, G replaced by A.
Protein change: p.Gly1673Ser; replaces glycine 1673 with serine.
Molecular consequence: missense variant.
Genome position (GRCh38, 1-based): chr9:136,504,674, C>T on the plus strand (G>A on the coding strand, the complement: NOTCH1 is on the minus strand). VCF-style: chr9-136504674-C-T. GRCh37 (hg19) VCF-style: chr9-139399126-C-T.
Other names: c.5017G>A, p.Gly1673Ser (LRG_1122t1); short protein forms G1673S.
Identifiers: ClinVar variation 477937 (VCV000477937.17), dbSNP rs1226514285, ClinGen allele CA375643897.
Genomic context (GRCh38, chr9:136,504,674, plus strand): 5'-CGTCGGGGAGGGCCCAGGAGAGTTGCGGGGATTGACCGTGGGCGCCGGGTCTCACTCACC[C>T]GCGGACGTCCATGGGGTCCAGCTCCCTCCGCCGCCGCCCACCCTCGCTGCCACCAGGGAG-3'
Protein context (NP_060087.3, residues 1663-1683): RRELDPMDVR[Gly1673Ser]SIVYLEIDNR